The following is an entry in ClinVar:

ClinVar aggregate classification (germline): Likely pathogenic (1 of 4 stars; one submission).

Conditions:
Lissencephaly due to TUBA1A mutation (CDCBM16). Also called: CORTICAL DYSPLASIA, COMPLEX, WITH OTHER BRAIN MALFORMATIONS 16; Lissencephaly 3. Identifiers: Orphanet 171680, MedGen C4305153, MONDO:0012703, OMIM 611603.

Submission:

3billion
Classification: Likely pathogenic for Lissencephaly due to TUBA1A mutation. Last evaluated: 2024-06-20. Review status: criteria provided, single submitter. Criteria: ACMG Guidelines, 2015. Collection method: clinical testing. Allele origin: germline. Affected: yes.
Comment: The variant is not observed in the gnomAD v4.0.0 dataset. Predicted Consequence/Location: Missense changes are a common disease-causing mechanism. In silico tool predictions suggest damaging effect of the variant on gene or gene product [REVEL: 0.82 (>=0.6, sensitivity 0.68 and specificity 0.92); 3Cnet: NA (>=0.6, sensitivity 0.72 and precision 0.9)]. The same nucleotide change resulting in the same amino acid change has been previously reported to be associated with TUBA1A related disorder (3billion dataset). A different missense change at the same codon (p.Glu423Gly) has been reported to be associated with TUBA1A related disorder (ClinVar ID: VCV002498154). Therefore, this variant is classified as Likely pathogenic according to the recommendation of ACMG/AMP guideline.

NM_006009.4(TUBA1A):c.1267G>C (p.Glu423Gln)

Gene: TUBA1A (tubulin alpha 1a; minus strand). Cytogenetic location: 12q13.12.
Variant type: single nucleotide variant.
Coding change: c.1267G>C on transcript NM_006009.4 (MANE Select); coding-DNA position 1267, G replaced by C.
Protein change: p.Glu423Gln; replaces glutamic acid 423 with glutamine.
Molecular consequence: missense variant.
Genome position (GRCh38, 1-based): chr12:49,185,099, C>G on the plus strand (G>C on the coding strand, the complement: TUBA1A is on the minus strand). VCF-style: chr12-49185099-C-G. GRCh37 (hg19) VCF-style: chr12-49578882-C-G.
Other names: c.1267G>C, p.Glu423Gln (NM_001270399.2); c.1162G>C, p.Glu388Gln (NM_001270400.2); short protein forms E388Q, E423Q.
Identifiers: ClinVar variation 4291832 (VCV004291832.1).